The following is an entry in ClinVar:

ClinVar aggregate classification (germline): Likely benign (0 of 4 stars; one submission).

Conditions:
PIEZO1-related disorder. Also called: PIEZO1-related condition; PIEZO1-Related Disorders.

gnomAD v4.1: 2 of 1,549,852 alleles (0.00013%); highest among the groups gnomAD compares: Non-Finnish European, 0.00017%; no homozygotes.

Submission:

PreventionGenetics, part of Exact Sciences
Classification: Likely benign for PIEZO1-related condition. Last evaluated: 2023-10-17. Review status: no assertion criteria provided. Collection method: clinical testing. Allele origin: germline.
Comment: This variant is classified as likely benign based on ACMG/AMP sequence variant interpretation guidelines (Richards et al. 2015 PMID: 25741868, with internal and published modifications).

NM_001142864.4(PIEZO1):c.3357G>A (p.Glu1119=)

Gene: PIEZO1 (piezo type mechanosensitive ion channel component 1 (Er blood group); minus strand). Cytogenetic location: 16q24.3.
Variant type: single nucleotide variant.
Coding change: c.3357G>A on transcript NM_001142864.4 (MANE Select); coding-DNA position 3357, G replaced by A.
Protein change: p.Glu1119=; no amino-acid change (glutamic acid 1119 retained).
Molecular consequence: synonymous variant.
Genome position (GRCh38, 1-based): chr16:88,727,137, C>T on the plus strand (G>A on the coding strand, the complement: PIEZO1 is on the minus strand). VCF-style: chr16-88727137-C-T. GRCh37 (hg19) VCF-style: chr16-88793545-C-T.
Other names: c.1899G>A, p.Glu633= (NM_014745.1).
Identifiers: ClinVar variation 3030512 (VCV003030512.2), dbSNP rs1288181447, ClinGen allele CA497366420.